The following is an entry in ClinVar:

ClinVar aggregate classification (germline): Pathogenic (1 of 4 stars; one submission).

Submission:

Labcorp Genetics (formerly Invitae), Labcorp
Classification: Pathogenic. Last evaluated: 2023-04-08. Review status: criteria provided, single submitter. Criteria: Invitae Variant Classification Sherloc (09022015). Collection method: clinical testing. Allele origin: germline.
Comment: This variant is not present in population databases (gnomAD no frequency). For these reasons, this variant has been classified as Pathogenic. Algorithms developed to predict the effect of sequence changes on RNA splicing suggest that this variant may disrupt the consensus splice site. Disruption of this splice site has been observed in individual(s) with achromatopsia (PMID: 28795510). In at least one individual the data is consistent with being in trans (on the opposite chromosome) from a pathogenic variant. This sequence change affects an acceptor splice site in intron 9 of the CNGB3 gene. It is expected to disrupt RNA splicing. Variants that disrupt the donor or acceptor splice site typically lead to a loss of protein function (PMID: 16199547), and loss-of-function variants in CNGB3 are known to be pathogenic (PMID: 28795510).

Literature cited by the submitters: PubMed 28795510; PubMed 16199547.

NM_019098.5(CNGB3):c.1056-1G>A

Gene: CNGB3 (cyclic nucleotide gated channel subunit beta 3; minus strand). Cytogenetic location: 8q21.3.
Variant type: single nucleotide variant.
Coding change: c.1056-1G>A on transcript NM_019098.5 (MANE Select); the canonical splice acceptor site of the intron before coding-DNA position 1056, G replaced by A.
Molecular consequence: splice acceptor variant.
Genome position (GRCh38, 1-based): chr8:86,643,874, C>T on the plus strand (G>A on the coding strand, the complement: CNGB3 is on the minus strand). VCF-style: chr8-86643874-C-T. GRCh37 (hg19) VCF-style: chr8-87656102-C-T.
Identifiers: ClinVar variation 2867740 (VCV002867740.3), dbSNP rs2131594360, ClinGen allele CA371446969.